The following is an entry in ClinVar:

ClinVar aggregate classification (germline): Pathogenic. Review status: criteria provided, multiple submitters, no conflicts (2 of 4 stars). 2 submissions from 2 submitters: Pathogenic (2). Last evaluated 2022-12-06.

Conditions:
Hereditary spastic paraplegia 11. Also called: Spastic Paraplegia 11; SPASTIC PARAPLEGIA, AUTOSOMAL RECESSIVE, COMPLICATED, WITH THIN CORPUS CALLOSUM; SPASTIC PARAPLEGIA, AUTOSOMAL RECESSIVE, WITH MENTAL IMPAIRMENT AND THIN CORPUS CALLOSUM; Spastic paraplegia, mental retardation and thin corpus callosum; Nakamura Osame syndrome; Autosomal recessive hereditary spastic paraplegia, mental impairment, and thin corpus callosum. Identifiers: Orphanet 2822, MedGen C1858479, MONDO:0011445, OMIM 604360.

Submissions (2):

GeneDx
Classification: Pathogenic. Last evaluated: 2022-12-06. Review status: criteria provided, single submitter. Criteria: GeneDx Variant Classification Process June 2021. Collection method: clinical testing. Allele origin: germline. Affected: yes.
Comment: Nonsense variant predicted to result in protein truncation or nonsense mediated decay in a gene for which loss of function is a known mechanism of disease; Not observed at significant frequency in large population cohorts (gnomAD); Has not been previously published as pathogenic or benign to our knowledge

Undiagnosed Diseases Network, NIH
Classification: Pathogenic for Hereditary spastic paraplegia 11. Last evaluated: 2016-11-22. Review status: criteria provided, single submitter. Criteria: ACMG Guidelines, 2015. Collection method: clinical testing. Allele origin: maternal. Inheritance: Autosomal recessive inheritance. Affected: yes. Observed: 1 variant allele, 1 compound heterozygote. Study: Undiagnosed Diseases Network (NIH), UDN.
Comment: This variant represents a complex allele consisting of a missense change at p.I971 and a stop gain change at p.Q972 acting in cis.

NM_025137.4(SPG11):c.2912_2914delinsGAT (p.Ile971_Gln972delinsArgTer)

Gene: SPG11 (SPG11 vesicle trafficking associated, spatacsin; minus strand). Cytogenetic location: 15q21.1.
Variant type: Indel.
Coding change: c.2912_2914delinsGAT on transcript NM_025137.4 (MANE Select); coding-DNA positions 2912 to 2914, TAC replaced by GAT.
Protein change: p.Ile971_Gln972delinsArgTer.
Molecular consequence: nonsense.
Genome position (GRCh38, 1-based): chr15:44,615,487-44,615,489, GTA replaced by ATC on the plus strand (TAC replaced by GAT on the coding strand, the reverse complement: SPG11 is on the minus strand). VCF-style: chr15-44615487-GTA-ATC. GRCh37 (hg19) VCF-style: chr15-44907685-GTA-ATC.
Other names: c.2912_2914delinsGAT, p.Ile971_Gln972delinsArgTer (NM_001160227.2).
Identifiers: ClinVar variation 522810 (VCV000522810.4), dbSNP rs1555454508, ClinGen allele CA658798324.
Genomic context (GRCh38, chr15:44,615,487, plus strand): 5'-ATTGAGAATGGAAATCCCAACCTTCTTTGGTCTTGTAGTTTTGAACAGGGAGGGTATCCT[GTA>ATC]TTACACCTCCAATACGGCTCAGTCTTAGGAGGAAGCATTCAAAGTCTTCCAGTTCAGATG-3'